The following is an entry in ClinVar:

ClinVar aggregate classification (germline): Uncertain significance (1 of 4 stars; one submission).

Conditions:
Ehlers-Danlos syndrome, classic type, 1 (EDSCL1). Also called: EHLERS-DANLOS SYNDROME, GRAVIS TYPE; EHLERS-DANLOS SYNDROME, SEVERE CLASSIC TYPE; Ehlers-Danlos syndrome, type 1; Ehlers-Danlos Syndrome, Classic Type, COL5A1-Related; EDS I. Identifiers: MedGen C0268335, MONDO:0019567, OMIM 130000.

Submission:

Labcorp Genetics (formerly Invitae), Labcorp
Classification: Uncertain significance for Ehlers-Danlos syndrome, classic type, 1. Last evaluated: 2025-06-03. Review status: criteria provided, single submitter. Criteria: Invitae Variant Classification Sherloc (09022015). Collection method: clinical testing. Allele origin: germline.
Comment: This sequence change replaces serine, which is neutral and polar, with phenylalanine, which is neutral and non-polar, at codon 384 of the COL5A1 protein (p.Ser384Phe). This variant is not present in population databases (gnomAD no frequency). This variant has not been reported in the literature in individuals affected with COL5A1-related conditions. Invitae Evidence Modeling of protein sequence and biophysical properties (such as structural, functional, and spatial information, amino acid conservation, physicochemical variation, residue mobility, and thermodynamic stability) indicates that this missense variant is not expected to disrupt COL5A1 protein function with a negative predictive value of 95%. In summary, the available evidence is currently insufficient to determine the role of this variant in disease. Therefore, it has been classified as a Variant of Uncertain Significance.

NM_000093.5(COL5A1):c.1151C>T (p.Ser384Phe)

Gene: COL5A1 (collagen type V alpha 1 chain; plus strand). Cytogenetic location: 9q34.3.
Variant type: single nucleotide variant.
Coding change: c.1151C>T on transcript NM_000093.5 (MANE Select); coding-DNA position 1151, C replaced by T.
Protein change: p.Ser384Phe; replaces serine 384 with phenylalanine.
Molecular consequence: missense variant.
Genome position (GRCh38, 1-based): chr9:134,730,462, C>T. VCF-style: chr9-134730462-C-T. GRCh37 (hg19) VCF-style: chr9-137622308-C-T.
Other names: c.1151C>T, p.Ser384Phe (NM_001278074.1); short protein forms S384F.
Identifiers: ClinVar variation 4771395 (VCV004771395.1).